The following is an entry in ClinVar:

ClinVar aggregate classification (germline): Uncertain significance (1 of 4 stars; one submission).

Conditions:
Hereditary cancer-predisposing syndrome. Also called: Hereditary neoplastic syndrome; Hereditary Cancer Syndrome; Neoplastic Syndromes, Hereditary; Tumor predisposition. Identifiers: Orphanet 140162, MedGen C0027672, MeSH D009386, MONDO:0015356.

Submission:

Ambry Genetics
Classification: Uncertain significance for Hereditary cancer-predisposing syndrome. Last evaluated: 2023-03-28. Review status: criteria provided, single submitter. Criteria: Ambry Variant Classification Scheme 2023. Collection method: clinical testing. Allele origin: germline.
Comment: The p.M349V variant (also known as c.1045A>G), located in coding exon 7 of the ATM gene, results from an A to G substitution at nucleotide position 1045. The methionine at codon 349 is replaced by valine, an amino acid with highly similar properties. This amino acid position is not well conserved in available vertebrate species. In addition, this alteration is predicted to be tolerated by in silico analysis. Since supporting evidence is limited at this time, the clinical significance of this alteration remains unclear.

NM_000051.4(ATM):c.1045A>G (p.Met349Val)

Gene: ATM (ATM serine/threonine kinase; plus strand). Cytogenetic location: 11q22.3.
Variant type: single nucleotide variant.
Coding change: c.1045A>G on transcript NM_000051.4 (MANE Select); coding-DNA position 1045, A replaced by G.
Protein change: p.Met349Val; replaces methionine 349 with valine.
Molecular consequence: missense variant.
Genome position (GRCh38, 1-based): chr11:108,247,107, A>G. VCF-style: chr11-108247107-A-G. GRCh37 (hg19) VCF-style: chr11-108117834-A-G.
Other names: c.1045A>G, p.Met349Val (NM_001351834.2); short protein forms M349V.
Identifiers: ClinVar variation 2568153 (VCV002568153.2), dbSNP rs2135268906, ClinGen allele CA382531725.
Genomic context (GRCh38, chr11:108,247,107, plus strand): 5'-AGAGGAAAGTATTCTTCAGGATTTCGTAATATTGCCGTCAAAGAAAATTTGATTGAATTG[A>G]TGGCAGATATCTGTCACCAGGTACAGTAAGTAGGTCATGTCACATTTAGAAATTTCCTGT-3'
Protein context (NP_000042.3, residues 339-359): IAVKENLIEL[Met349Val]ADICHQVFNE